The following is an entry in ClinVar:

NM_001005361.3(DNM2):c.1071C>T (p.Ser357=)

Gene: DNM2 (dynamin 2; plus strand). Cytogenetic location: 19p13.2.
Variant type: single nucleotide variant.
Coding change: c.1071C>T on transcript NM_001005361.3 (MANE Select); coding-DNA position 1071, C replaced by T.
Protein change: p.Ser357=; no amino-acid change (serine 357 retained).
Molecular consequence: synonymous variant.
Genome position (GRCh38, 1-based): chr19:10,793,798, C>T. VCF-style: chr19-10793798-C-T. GRCh37 (hg19) VCF-style: chr19-10904474-C-T.
Other names: c.1071C>T, p.Ser357= (NM_001005360.3, NM_001005362.3, NM_001190716.2 and 1 more transcripts).
Identifiers: ClinVar variation 512080 (VCV000512080.14), dbSNP rs779241319, ClinGen allele CA9200975.

ClinVar aggregate classification (germline): Likely benign. Review status: criteria provided, multiple submitters, no conflicts (2 of 4 stars). 5 submissions from 5 submitters: Likely benign (5). Last evaluated 2025-11-25.

Conditions:
Charcot-Marie-Tooth disease dominant intermediate B (CMTDIB). Also called: CHARCOT-MARIE-TOOTH NEUROPATHY, DOMINANT INTERMEDIATE B; Charcot-Marie-Tooth disease dominant intermediate 1; CMT DI1; Charcot-Marie-Tooth disease dominant intermediate I. Identifiers: Orphanet 100044, Orphanet 228179, MedGen C1847902, MONDO:0011674, OMIM 606482.
Inborn genetic diseases. Identifiers: MedGen C0950123, MeSH D030342.

Allele frequency attached by ClinVar (database versions not stated): gnomAD 0.00001; gnomAD exomes 0.00001 and 0.00002; ExAC 0.00002; TOPMed 0.00002.
gnomAD v4.1: 14 of 1,613,986 alleles (0.00087%); highest among the groups gnomAD compares: Middle Eastern, 0.016%; no homozygotes.

Submissions (5):

Labcorp Genetics (formerly Invitae), Labcorp
Classification: Likely benign for Charcot-Marie-Tooth disease dominant intermediate B. Last evaluated: 2025-11-25. Review status: criteria provided, single submitter. Criteria: Invitae Variant Classification Sherloc (09022015). Collection method: clinical testing. Allele origin: germline.

Athena Diagnostics
Classification: Likely benign. Last evaluated: 2019-08-01. Review status: criteria provided, single submitter. Criteria: Athena Diagnostics Criteria. Collection method: clinical testing. Allele origin: germline.

Ambry Genetics
Classification: Likely benign for Inborn genetic diseases. Last evaluated: 2019-07-11. Review status: criteria provided, single submitter. Criteria: Ambry Variant Classification Scheme 2023. Collection method: clinical testing. Allele origin: germline.

GeneDx
Classification: Likely benign. Last evaluated: 2017-09-27. Review status: criteria provided, single submitter. Criteria: GeneDx Variant Classification (06012015). Collection method: clinical testing. Allele origin: germline. Affected: yes.
Comment: This variant is considered likely benign or benign based on one or more of the following criteria: it is a conservative change, it occurs at a poorly conserved position in the protein, it is predicted to be benign by multiple in silico algorithms, and/or has population frequency not consistent with disease.

Breakthrough Genomics
Classification: Likely benign. Review status: criteria provided, single submitter. Criteria: ACMG Guidelines, 2015. Collection method: not provided. Allele origin: germline. Inheritance: Autosomal recessive inheritance. Affected: yes.